The following is an entry in ClinVar:

NM_012434.5(SLC17A5):c.525+317G>A

Gene: SLC17A5 (solute carrier family 17 member 5; minus strand). Cytogenetic location: 6q13.
Variant type: single nucleotide variant.
Coding change: c.525+317G>A on transcript NM_012434.5 (MANE Select); 317 bases into the intron after coding-DNA position 525, G replaced by A.
Molecular consequence: intron variant.
Genome position (GRCh38, 1-based): chr6:73,641,374, C>T on the plus strand (G>A on the coding strand, the complement: SLC17A5 is on the minus strand). VCF-style: chr6-73641374-C-T. GRCh37 (hg19) VCF-style: chr6-74351097-C-T.
Identifiers: ClinVar variation 672060 (VCV000672060.1), dbSNP rs487490, ClinGen allele CA12354762.

ClinVar aggregate classification (germline): Benign (1 of 4 stars; one submission).

Allele frequency attached by ClinVar (database versions not stated): gnomAD 0.16307 and 0.16670; TOPMed 0.17964; 1000 Genomes Project 0.19669; 1000 Genomes Project 30x 0.20534.
gnomAD v4.1: 24,723 of 152,068 alleles (16%); highest among the groups gnomAD compares: African/African-American, 34%; 3,067 homozygotes.

Submission:

GeneDx
Classification: Benign. Last evaluated: 2018-06-19. Review status: criteria provided, single submitter. Criteria: GeneDx Variant Classification (06012015). Collection method: clinical testing. Allele origin: germline. Affected: yes.
Comment: This variant is considered likely benign or benign based on one or more of the following criteria: it is a conservative change, it occurs at a poorly conserved position in the protein, it is predicted to be benign by multiple in silico algorithms, and/or has population frequency not consistent with disease.